The following is an entry in ClinVar:

NM_002474.3(MYH11):c.5405A>G (p.His1802Arg)

Genes: NDE1 (nudE neurodevelopment protein 1; plus strand), MYH11 (myosin heavy chain 11; minus strand). Cytogenetic location: 16p13.11.
Variant type: single nucleotide variant.
Coding change: c.5405A>G on transcript NM_002474.3 (MANE Select); coding-DNA position 5405, A replaced by G.
Protein change: p.His1802Arg; replaces histidine 1802 with arginine.
Molecular consequence: missense variant. On other transcripts: intron variant (2).
Genome position (GRCh38, 1-based): chr16:15,717,239, T>C on the plus strand (A>G on the coding strand, the complement: MYH11 is on the minus strand). VCF-style: chr16-15717239-T-C. GRCh37 (hg19) VCF-style: chr16-15811096-T-C.
Other names: c.5426A>G, p.His1809Arg (NM_001040113.2, NM_001040114.2); c.5405A>G, p.His1802Arg (NM_022844.3); c.948-6952T>C (NM_001143979.2, NM_017668.3); short protein forms H1802R, H1809R.
Identifiers: ClinVar variation 4758602 (VCV004758602.1).

ClinVar aggregate classification (germline): Uncertain significance (1 of 4 stars; one submission).

Conditions:
Familial thoracic aortic aneurysm and aortic dissection (TAAD). Also called: Thoracic aortic aneurysms and dissections. Identifiers: Orphanet 91387, MedGen C4707243, MONDO:0019625.

gnomAD v4.1: 3 of 1,614,088 alleles (0.00019%); highest among the groups gnomAD compares: East Asian, 0.0022%; no homozygotes.

Submission:

Color Diagnostics, LLC DBA Color Health
Classification: Uncertain significance for Familial thoracic aortic aneurysm and aortic dissection. Last evaluated: 2025-07-07. Review status: criteria provided, single submitter. Criteria: ACMG Guidelines, 2015. Collection method: clinical testing. Allele origin: germline.
Comment: This missense variant replaces histidine with arginine at codon 1809 of the MYH11 protein. Computational prediction suggests that this variant may not impact protein structure and function. To our knowledge, functional studies have not been reported for this variant. This variant has not been reported in individuals affected with MYH11-related disorders in the literature. This variant has been identified in 1/251330 chromosomes in the general population by the Genome Aggregation Database (gnomAD). The available evidence is insufficient to determine the role of this variant in disease conclusively. Therefore, this variant is classified as a Variant of Uncertain Significance.